The following is an entry in ClinVar:

ClinVar aggregate classification (germline): Uncertain significance (1 of 4 stars; one submission).

Conditions:
Familial hemiplegic migraine. Identifiers: MedGen C0338484, MONDO:0000700.

Allele frequency attached by ClinVar (database versions not stated): gnomAD exomes below 0.00001; ExAC 0.00001.
gnomAD v4.1: 2 of 1,614,178 alleles (0.00012%); highest among the groups gnomAD compares: Admixed American, 0.0033%; no homozygotes.

Submission:

Labcorp Genetics (formerly Invitae), Labcorp
Classification: Uncertain significance for Familial hemiplegic migraine. Last evaluated: 2024-05-06. Review status: criteria provided, single submitter. Criteria: Invitae Variant Classification Sherloc (09022015). Collection method: clinical testing. Allele origin: germline.
Comment: This sequence change replaces alanine, which is neutral and non-polar, with serine, which is neutral and polar, at codon 625 of the ATP1A2 protein (p.Ala625Ser). This variant is present in population databases (rs766843686, gnomAD 0.003%). This variant has not been reported in the literature in individuals affected with ATP1A2-related conditions. ClinVar contains an entry for this variant (Variation ID: 1957664). Advanced modeling of protein sequence and biophysical properties (such as structural, functional, and spatial information, amino acid conservation, physicochemical variation, residue mobility, and thermodynamic stability) has been performed at Invitae for this missense variant, however the output from this modeling did not meet the statistical confidence thresholds required to predict the impact of this variant on ATP1A2 protein function. In summary, the available evidence is currently insufficient to determine the role of this variant in disease. Therefore, it has been classified as a Variant of Uncertain Significance.

NM_000702.4(ATP1A2):c.1873G>T (p.Ala625Ser)

Gene: ATP1A2 (ATPase Na+/K+ transporting subunit alpha 2; plus strand). Cytogenetic location: 1q23.2.
Variant type: single nucleotide variant.
Coding change: c.1873G>T on transcript NM_000702.4 (MANE Select); coding-DNA position 1873, G replaced by T.
Protein change: p.Ala625Ser; replaces alanine 625 with serine.
Molecular consequence: missense variant.
Genome position (GRCh38, 1-based): chr1:160,134,529, G>T. VCF-style: chr1-160134529-G-T. GRCh37 (hg19) VCF-style: chr1-160104319-G-T.
Other names: short protein forms A625S.
Identifiers: ClinVar variation 1957664 (VCV001957664.5), dbSNP rs766843686, ClinGen allele CA1194602.